The following is an entry in ClinVar:

ClinVar aggregate classification (germline): Pathogenic. Review status: criteria provided, multiple submitters, no conflicts (2 of 4 stars). 10 submissions from 10 submitters: Pathogenic (8). 2 of the submissions do not count toward it. Last evaluated 2026-06-29.

Conditions:
KLHL7-related disorder. Also called: KLHL7-related condition; KLHL7-related disorders.
PERCHING syndrome (PERCHING). Also called: Cold-induced sweating syndrome 3. Identifiers: Orphanet 157820, Orphanet 603684, MedGen C4310742, MONDO:0014890, OMIM 617055.
Neurodevelopmental delay. Identifiers: MedGen C4022738, HP:0012758.

Allele frequency attached by ClinVar (database versions not stated): gnomAD 0.00001; gnomAD exomes 0.00001 and 0.00002; TOPMed 0.00001; ExAC 0.00002.
gnomAD v4.1: 22 of 1,613,976 alleles (0.0014%); highest among the groups gnomAD compares: Non-Finnish European, 0.0018%; no homozygotes.

Submissions (10):

Laboratory of Medical Genetics, University of Torino
Classification: Pathogenic for PERCHING syndrome. Last evaluated: 2026-06-29. Review status: criteria provided, single submitter. Criteria: ACMG Guidelines, 2015. Collection method: clinical testing. Allele origin: biparental. Affected: yes.

Daryl Scott Lab, Baylor College of Medicine
Classification: Pathogenic for KLHL7-related disorder. Last evaluated: 2025-08-25. Review status: criteria provided, single submitter. Criteria: ACMG Guidelines, 2015. Collection method: clinical testing. Allele origin: maternal. Affected: yes. Observed: 1 compound heterozygote.
Comment: PVS1, PM2, PM3

Labcorp Genetics (formerly Invitae), Labcorp
Classification: Pathogenic. Last evaluated: 2025-08-14. Review status: criteria provided, single submitter. Criteria: Invitae Variant Classification Sherloc (09022015). Collection method: clinical testing. Allele origin: germline.
Comment: This sequence change creates a premature translational stop signal (p.Arg351*) in the KLHL7 gene. It is expected to result in an absent or disrupted protein product. Loss-of-function variants in KLHL7 are known to be pathogenic (PMID: 27392078, 29074562, 30426380, 31953236). This variant is present in population databases (rs746612410, gnomAD 0.007%). This premature translational stop signal has been observed in individuals with autosomal recessive KLHL7-related conditions (PMID: 30426380, 30997404). It has also been observed to segregate with disease in related individuals. ClinVar contains an entry for this variant (Variation ID: 804273). For these reasons, this variant has been classified as Pathogenic.

GeneDx
Classification: Pathogenic. Last evaluated: 2024-03-13. Review status: criteria provided, single submitter. Criteria: GeneDx Variant Classification Process June 2021. Collection method: clinical testing. Allele origin: germline. Affected: yes.
Comment: Nonsense variant predicted to result in protein truncation or nonsense mediated decay in a gene for which loss of function is a known mechanism of disease; This variant is associated with the following publications: (PMID: 31230720, 30997404, 30426380, 29074562)

CeGaT Center for Human Genetics Tuebingen
Classification: Pathogenic. Last evaluated: 2023-09-01. Review status: criteria provided, single submitter. Criteria: CeGaT Center For Human Genetics Tuebingen Variant Classification Criteria Version 2. Collection method: clinical testing. Allele origin: germline. Affected: yes. Observed: 1 variant allele.
Comment: KLHL7: PVS1, PM2, PM3

3billion
Classification: Pathogenic for PERCHING syndrome. Last evaluated: 2022-09-01. Review status: criteria provided, single submitter. Criteria: ACMG Guidelines, 2015. Collection method: clinical testing. Allele origin: germline. Affected: yes. Observed: 1 homozygote.
Comment: The variant is observed at an extremely low frequency in the gnomAD v2.1.1 dataset (total allele frequency: 0.002%). Stop-gained (nonsense) is predicted to result in a loss or disruption of normal protein function through nonsense-mediated decay (NMD) or protein truncation. Multiple pathogenic variants are reported downstream of the variant. The variant has been reported at least twice as pathogenic without evidence for the classification (ClinVar ID: VCV000804273 / PMID: 30426380). Therefore, this variant is classified as Pathogenic according to the recommendation of ACMG/AMP guideline.

Blueprint Genetics
Classification: Pathogenic for KLHL7-related disorders. Last evaluated: 2019-11-21. Review status: criteria provided, single submitter. Criteria: ACMG Guidelines, 2015. Collection method: clinical testing. Allele origin: germline. Affected: yes. Observed: 2 variant alleles.

Centre de Biologie Pathologie Génétique, Centre Hospitalier Universitaire de Lille
Classification: Pathogenic for Neurodevelopmental delay. Review status: criteria provided, single submitter. Criteria: ACMG Guidelines, 2015. Collection method: clinical testing. Allele origin: unknown. Affected: yes.

OMIM
Classification: Pathogenic for PERCHING SYNDROME. Last evaluated: 2020-01-09. Review status: no assertion criteria provided. Collection method: literature only. Allele origin: germline. Not counted in ClinVar's aggregate classification.

Lupski Lab, Baylor-Hopkins CMG, Baylor College of Medicine
Classification: Pathogenic for PERCHING syndrome. Review status: no assertion criteria provided. Collection method: research. Allele origin: inherited. Inheritance: Autosomal recessive inheritance. Affected: yes. Observed: 4 variant alleles, 2 heterozygotes, 2 homozygotes. Not counted in ClinVar's aggregate classification.

Literature cited by the submitters: PubMed 27392078 (cited by Labcorp Genetics (formerly Invitae), Labcorp); PubMed 29074562 (cited by Labcorp Genetics (formerly Invitae), Labcorp and OMIM); PubMed 30426380 (cited by Labcorp Genetics (formerly Invitae), Labcorp and 3billion); PubMed 31953236 (cited by Labcorp Genetics (formerly Invitae), Labcorp); PubMed 30997404 (cited by Labcorp Genetics (formerly Invitae), Labcorp).

NM_001031710.3(KLHL7):c.1051C>T (p.Arg351Ter)

Gene: KLHL7 (kelch like family member 7; plus strand). Cytogenetic location: 7p15.3.
Variant type: single nucleotide variant.
Coding change: c.1051C>T on transcript NM_001031710.3 (MANE Select); coding-DNA position 1051, C replaced by T.
Protein change: p.Arg351Ter; replaces arginine 351 with a stop codon.
Molecular consequence: nonsense. On other transcripts: non-coding transcript variant (1).
Genome position (GRCh38, 1-based): chr7:23,165,812, C>T. VCF-style: chr7-23165812-C-T. GRCh37 (hg19) VCF-style: chr7-23205431-C-T.
Other names: c.907C>T, p.Arg303Ter (NM_018846.5); short protein forms R351*, R303*.
Identifiers: ClinVar variation 804273 (VCV000804273.41), dbSNP rs746612410, ClinGen allele CA4186542.
Genomic context (GRCh38, chr7:23,165,812, plus strand): 5'-TGCGTGTTTTGGGACAATGTAGTATACATTTTGGGAGGCTCTCAGCTTTTCCCAATAAAG[C>T]GAATGGACTGCTATAATGTAGTGAAGGATAGCTGGTATTCGAAACTGGGTCCTCCGACAC-3'